The following is an entry in ClinVar:

NM_001384140.1(PCDH15):c.3061A>G (p.Thr1021Ala)

Gene: PCDH15 (protocadherin related 15; minus strand). Cytogenetic location: 10q21.1.
Variant type: single nucleotide variant.
Coding change: c.3061A>G on transcript NM_001384140.1 (MANE Select); coding-DNA position 3061, A replaced by G.
Protein change: p.Thr1021Ala; replaces threonine 1021 with alanine.
Molecular consequence: missense variant.
Genome position (GRCh38, 1-based): chr10:53,959,793, T>C on the plus strand (A>G on the coding strand, the complement: PCDH15 is on the minus strand). VCF-style: chr10-53959793-T-C. GRCh37 (hg19) VCF-style: chr10-55719553-T-C.
Other names: c.3076A>G, p.Thr1026Ala (NM_001142763.2, NM_001142771.2); c.3061A>G, p.Thr1021Ala (NM_001142764.2, NM_001142766.2, NM_001142770.3 and 4 more transcripts); c.2848A>G, p.Thr950Ala (NM_001142765.2); c.2950A>G, p.Thr984Ala (NM_001142767.2); c.2995A>G, p.Thr999Ala (NM_001142768.2, NM_001142773.2, NM_001354404.2); c.3097A>G, p.Thr1033Ala (NM_001142769.4); c.3082A>G, p.Thr1028Ala (NM_001354411.2); short protein forms T1026A, T1021A, T1033A, T1028A, T950A, T984A, T999A.
Identifiers: ClinVar variation 2171901 (VCV002171901.1), dbSNP rs2495077123, ClinGen allele CA376521005.

ClinVar aggregate classification (germline): Uncertain significance (1 of 4 stars; one submission).

gnomAD v4.1: 1 of 1,614,150 alleles (0.000062%); no homozygotes.

Submission:

Labcorp Genetics (formerly Invitae), Labcorp
Classification: Uncertain significance. Last evaluated: 2022-10-24. Review status: criteria provided, single submitter. Criteria: Invitae Variant Classification Sherloc (09022015). Collection method: clinical testing. Allele origin: germline.
Comment: This sequence change replaces threonine, which is neutral and polar, with alanine, which is neutral and non-polar, at codon 1021 of the PCDH15 protein (p.Thr1021Ala). This variant is not present in population databases (gnomAD no frequency). This variant has not been reported in the literature in individuals affected with PCDH15-related conditions. Advanced modeling of protein sequence and biophysical properties (such as structural, functional, and spatial information, amino acid conservation, physicochemical variation, residue mobility, and thermodynamic stability) performed at Invitae indicates that this missense variant is not expected to disrupt PCDH15 protein function. In summary, the available evidence is currently insufficient to determine the role of this variant in disease. Therefore, it has been classified as a Variant of Uncertain Significance.